The following is an entry in ClinVar:

ClinVar aggregate classification (germline): Pathogenic/Likely pathogenic. Review status: criteria provided, multiple submitters, no conflicts (2 of 4 stars). 6 submissions from 6 submitters: Pathogenic (5); Likely pathogenic (1). Last evaluated 2025-09-15.

Conditions:
COL11A1-related disorder. Also called: COL11A1-related disorders; COL11A1-related condition.
Marshall syndrome (MRSHS). Identifiers: Orphanet 560, MedGen C0265235, MONDO:0007949, OMIM 154780.
Stickler syndrome type 2 (STL2). Also called: STICKLER SYNDROME, TYPE II; STICKLER SYNDROME, BEADED VITREOUS TYPE; STICKLER SYNDROME, VITREOUS TYPE 2; COL11A1-Related Stickler Syndrome. Identifiers: Orphanet 828, Orphanet 90654, MedGen C1858084, MONDO:0011493, OMIM 604841.
Hearing loss, autosomal dominant 37. Also called: DEAFNESS, AUTOSOMAL DOMINANT 37. Identifiers: MedGen C4760307, MONDO:0032802, OMIM 618533.
Fibrochondrogenesis 1 (FBCG1). Identifiers: Orphanet 2021, MedGen C3278138, MONDO:0009226, OMIM 228520.
Intervertebral disc disorder (IDD). Also called: Lumbar disk degenerative disorder; INTERVERTEBRAL DISC DISEASE. Identifiers: MedGen C0158252, MONDO:0044339, OMIM 603932.

Allele frequency attached by ClinVar (database versions not stated): gnomAD exomes 0.00001.
gnomAD v4.1: 9 of 1,609,816 alleles (0.00056%); highest among the groups gnomAD compares: Admixed American, 0.0017%; no homozygotes.

Submissions (6):

Dasa
Classification: Pathogenic. Last evaluated: 2025-09-15. Review status: criteria provided, single submitter. Criteria: DASA Assertion Criteria. Collection method: clinical testing. Allele origin: germline.
Comment: NM_001854.4(COL11A1):c.4084C>T (p.Arg1362*) introduces a premature termination codon predicted to result in loss of normal protein function. Loss-of-function is an established mechanism of disease for this gene. This variant has been observed in affected individuals with related phenotype in a genotype context consistent with recessive disease (PMID: 21668896). This variant has been reported in individuals with related phenotype (PMID: 21668896). The variant is present at low frequency in population datasets. Based on the available data, this variant is classified as pathogenic.

GeneDx
Classification: Pathogenic. Last evaluated: 2025-04-03. Review status: criteria provided, single submitter. Criteria: GeneDx Variant Classification Process June 2021. Collection method: clinical testing. Allele origin: germline. Affected: yes.
Comment: Nonsense variant predicted to result in protein truncation or nonsense mediated decay in a gene for which loss-of-function is a known mechanism of disease; Not observed at significant frequency in large population cohorts (gnomAD); This variant is associated with the following publications: (PMID: 22499343, 24127948, 21668896, 37079061)

Variantyx, Inc.
Classification: Pathogenic for Fibrochondrogenesis 1. Last evaluated: 2025-03-03. Review status: criteria provided, single submitter. Criteria: Variantyx Assertion Criteria 2022. Collection method: clinical testing. Allele origin: germline. Inheritance: Autosomal recessive inheritance.
Comment: This is a nonsense variant in the COL11A1 gene (OMIM: 120280). Pathogenic variants in this gene have been associated with autosomal recessive fibrochondrogenesis 1. The alteration introduces a premature termination codon in exon 54 out of 67 and is expected to result in loss of function. Bi-allelic loss of of function is a known disease mechanism for autosomal recessive fibrochondrogenesis (PMID: 21035103) (PVS1). This variant has been identified in the homozygous or compound heterozygous state in at least one individual reported in the published literature (PMID: 21668896) (PM3). It has a 0.0023% maximum allele frequency in non-founder control populations (PM2). Based on the current evidence, this variant is classified as pathogenic for autosomal recessive fibrochondrogenesis 1.No other variant of clinical significance was identified in the COL11A1 gene.

Blueprint Genetics
Classification: Likely pathogenic for COL11A1-related disorders. Last evaluated: 2024-09-02. Review status: criteria provided, single submitter. Criteria: ACMG Guidelines, 2015. Collection method: clinical testing. Allele origin: germline. Affected: yes. Observed: 5 variant alleles.

Fulgent Genetics
Classification: Pathogenic for Marshall syndrome; Fibrochondrogenesis 1; Intervertebral disc disorder; Stickler syndrome type 2; Hearing loss, autosomal dominant 37. Last evaluated: 2024-04-15. Review status: criteria provided, single submitter. Criteria: ACMG Guidelines, 2015. Collection method: clinical testing. Allele origin: germline.

Labcorp Genetics (formerly Invitae), Labcorp
Classification: Pathogenic. Last evaluated: 2024-01-30. Review status: criteria provided, single submitter. Criteria: Invitae Variant Classification Sherloc (09022015). Collection method: clinical testing. Allele origin: germline.
Comment: This sequence change creates a premature translational stop signal (p.Arg1362*) in the COL11A1 gene. It is expected to result in an absent or disrupted protein product. Loss-of-function variants in COL11A1 are known to be pathogenic (PMID: 20513134, 21035103, 23922384, 25240749, 32427345, 32756486). This variant is present in population databases (rs755987732, gnomAD 0.003%). This premature translational stop signal has been observed in individual(s) with COL11A1-related conditions (PMID: 21668896). ClinVar contains an entry for this variant (Variation ID: 620141). For these reasons, this variant has been classified as Pathogenic.

Literature cited by the submitters: PubMed 21668896 (cited by 3 submitters); PubMed 20513134 (cited by Labcorp Genetics (formerly Invitae), Labcorp); PubMed 21035103 (cited by Labcorp Genetics (formerly Invitae), Labcorp); PubMed 23922384 (cited by Labcorp Genetics (formerly Invitae), Labcorp); PubMed 25240749 (cited by Labcorp Genetics (formerly Invitae), Labcorp); PubMed 32427345 (cited by Labcorp Genetics (formerly Invitae), Labcorp); PubMed 32756486 (cited by Labcorp Genetics (formerly Invitae), Labcorp).

NM_001854.4(COL11A1):c.4084C>T (p.Arg1362Ter)

Gene: COL11A1 (collagen type XI alpha 1 chain; minus strand). Cytogenetic location: 1p21.1.
Variant type: single nucleotide variant.
Coding change: c.4084C>T on transcript NM_001854.4 (MANE Select); coding-DNA position 4084, C replaced by T.
Protein change: p.Arg1362Ter; replaces arginine 1362 with a stop codon.
Molecular consequence: nonsense. On other transcripts: non-coding transcript variant (1).
Genome position (GRCh38, 1-based): chr1:102,912,161, G>A on the plus strand (C>T on the coding strand, the complement: COL11A1 is on the minus strand). VCF-style: chr1-102912161-G-A. GRCh37 (hg19) VCF-style: chr1-103377717-G-A.
Other names: c.3967C>T, p.Arg1323Ter (NM_001190709.2); c.4120C>T, p.Arg1374Ter (NM_080629.3); c.3736C>T, p.Arg1246Ter (NM_080630.4); short protein forms R1362*, R1374*, R1246*, R1323*.
Identifiers: ClinVar variation 620141 (VCV000620141.11), dbSNP rs755987732, ClinGen allele CA973696.